The following is an entry in ClinVar:

NM_001376.5(DYNC1H1):c.2412G>C (p.Leu804Phe)

Gene: DYNC1H1 (dynein cytoplasmic 1 heavy chain 1; plus strand). Cytogenetic location: 14q32.31.
Variant type: single nucleotide variant.
Coding change: c.2412G>C on transcript NM_001376.5 (MANE Select); coding-DNA position 2412, G replaced by C.
Protein change: p.Leu804Phe; replaces leucine 804 with phenylalanine.
Molecular consequence: missense variant.
Genome position (GRCh38, 1-based): chr14:101,986,637, G>C. VCF-style: chr14-101986637-G-C. GRCh37 (hg19) VCF-style: chr14-102452974-G-C.
Other names: short protein forms L804F.
Identifiers: ClinVar variation 954172 (VCV000954172.9), dbSNP rs2047940382, ClinGen allele CA391023600.

ClinVar aggregate classification (germline): Uncertain significance (1 of 4 stars; one submission).

Conditions:
Charcot-Marie-Tooth disease axonal type 2O. Also called: Charcot-Marie-Tooth Neuropathy Type 2O; Charcot-Marie-Tooth disease, axonal, type 20; CHARCOT-MARIE-TOOTH NEUROPATHY, AXONAL, TYPE 2O; CHARCOT-MARIE-TOOTH DISEASE, AXONAL, AUTOSOMAL DOMINANT, TYPE 2O. Identifiers: Orphanet 284232, MedGen C3280220, MONDO:0013644, OMIM 614228.

Allele frequency attached by ClinVar (database versions not stated): gnomAD exomes below 0.00001.
gnomAD v4.1: 1 of 1,613,146 alleles (0.000062%); highest among the groups gnomAD compares: Non-Finnish European, 0.000085%; no homozygotes.

Submission:

Labcorp Genetics (formerly Invitae), Labcorp
Classification: Uncertain significance for Charcot-Marie-Tooth disease axonal type 2O. Last evaluated: 2025-04-14. Review status: criteria provided, single submitter. Criteria: Invitae Variant Classification Sherloc (09022015). Collection method: clinical testing. Allele origin: germline.
Comment: This sequence change replaces leucine, which is neutral and non-polar, with phenylalanine, which is neutral and non-polar, at codon 804 of the DYNC1H1 protein (p.Leu804Phe). This variant is not present in population databases (gnomAD no frequency). This variant has not been reported in the literature in individuals affected with DYNC1H1-related conditions. ClinVar contains an entry for this variant (Variation ID: 954172). Invitae Evidence Modeling of protein sequence and biophysical properties (such as structural, functional, and spatial information, amino acid conservation, physicochemical variation, residue mobility, and thermodynamic stability) indicates that this missense variant is expected to disrupt DYNC1H1 protein function with a positive predictive value of 95%. In summary, the available evidence is currently insufficient to determine the role of this variant in disease. Therefore, it has been classified as a Variant of Uncertain Significance.